The following is an entry in ClinVar:

NM_001172509.2(SATB2):c.473+1del

Gene: SATB2 (SATB homeobox 2; minus strand). Cytogenetic location: 2q33.1.
Variant type: Deletion.
Coding change: c.473+1del on transcript NM_001172509.2 (MANE Select); the canonical splice donor site of the intron after coding-DNA position 473, one base deleted (G; older notation c.473+1delG).
Molecular consequence: splice donor variant.
Genome position (GRCh38, 1-based): chr2:199,381,693, C deleted on the plus strand (G on the coding strand, the reverse complement: SATB2 is on the minus strand); the first of 2 consecutive C bases (chr2:199,381,693-199,381,694); deleting either gives the same sequence. VCF-style (leftmost placement, unchanged base first): chr2-199381692-AC-A. GRCh37 (hg19) VCF-style: chr2-200246415-AC-A.
Other names: c.473+1delG (NM_015265.3); c.473+1del (NM_001172517.1, NM_015265.4).
Identifiers: ClinVar variation 504268 (VCV000504268.1), dbSNP rs1553496358, ClinGen allele CA658796138.

ClinVar aggregate classification (germline): Likely pathogenic (1 of 4 stars; one submission).

Submission:

GeneDx
Classification: Likely pathogenic. Last evaluated: 2018-02-01. Review status: criteria provided, single submitter. Criteria: GeneDx Variant Classification (06012015). Collection method: clinical testing. Allele origin: germline. Affected: yes.
Comment: A variant that is likely pathogenic has been identified in the SATB2 gene. The c.473+1delG variant has not been reported previously as a pathogenic variant nor as a benign variant, to our knowledge. The c.473+1delG variant is not observed in large population cohorts (Lek et al., 2016). This splice site variant destroys the canonical splice donor site of intron 5. It is predicted to cause abnormal gene splicing, either leading to an abnormal message that is subject to nonsense-mediated mRNA decay, or to an abnormal protein product if the message is used for protein translation. However, in the absence of RNA/functional studies the actual effect of this change is unknown. Therefore, this variant is likely pathogenic; however, the possibility that it is benign cannot be excluded.